The following is an entry in ClinVar:

NM_000343.4(SLC5A1):c.1394_1395insT (p.Pro466fs)

Gene: SLC5A1 (solute carrier family 5 member 1; plus strand). Cytogenetic location: 22q12.3.
Variant type: Insertion.
Coding change: c.1394_1395insT on transcript NM_000343.4 (MANE Select); coding-DNA positions 1394 to 1395, T inserted.
Protein change: p.Pro466fs; shifts the reading frame from proline 466.
Molecular consequence: frameshift variant.
Genome position: GRCh38 VCF-style: chr22-32099296-C-CT. GRCh37 (hg19) VCF-style: chr22-32495283-C-CT.
Other names: c.1013_1014insT, p.Pro339fs (NM_001256314.2); short protein forms P466fs, P339fs.
Identifiers: ClinVar variation 1425355 (VCV001425355.6), dbSNP rs2149496680, ClinGen allele CA2573158028.

ClinVar aggregate classification (germline): Pathogenic (1 of 4 stars; one submission).

Conditions:
Congenital glucose-galactose malabsorption (GGM). Also called: MONOSACCHARIDE MALABSORPTION; DIARRHEA 16. Identifiers: Orphanet 35710, MedGen C0268186, MONDO:0011731, OMIM 606824.

Submission:

Labcorp Genetics (formerly Invitae), Labcorp
Classification: Pathogenic for Congenital glucose-galactose malabsorption. Last evaluated: 2024-10-21. Review status: criteria provided, single submitter. Criteria: Invitae Variant Classification Sherloc (09022015). Collection method: clinical testing. Allele origin: germline.
Comment: This sequence change creates a premature translational stop signal (p.Pro466Thrfs*17) in the SLC5A1 gene. It is expected to result in an absent or disrupted protein product. Loss-of-function variants in SLC5A1 are known to be pathogenic (PMID: 8563765). This variant is not present in population databases (gnomAD no frequency). This variant has not been reported in the literature in individuals affected with SLC5A1-related conditions. ClinVar contains an entry for this variant (Variation ID: 1425355). For these reasons, this variant has been classified as Pathogenic.

Literature cited by the submitters: PubMed 8563765.